The following is an entry in ClinVar:

ClinVar aggregate classification (germline): Uncertain significance (1 of 4 stars; one submission).

Submission:

Labcorp Genetics (formerly Invitae), Labcorp
Classification: Uncertain significance. Last evaluated: 2024-06-09. Review status: criteria provided, single submitter. Criteria: Invitae Variant Classification Sherloc (09022015). Collection method: clinical testing. Allele origin: germline.
Comment: This sequence change replaces arginine, which is basic and polar, with glutamine, which is neutral and polar, at codon 188 of the PORCN protein (p.Arg188Gln). The frequency data for this variant in the population databases is considered unreliable, as metrics indicate poor data quality at this position in the gnomAD database. This variant has not been reported in the literature in individuals affected with PORCN-related conditions. Advanced modeling of protein sequence and biophysical properties (such as structural, functional, and spatial information, amino acid conservation, physicochemical variation, residue mobility, and thermodynamic stability) performed at Invitae indicates that this missense variant is not expected to disrupt PORCN protein function with a negative predictive value of 80%. In summary, the available evidence is currently insufficient to determine the role of this variant in disease. Therefore, it has been classified as a Variant of Uncertain Significance.

NM_203475.3(PORCN):c.563G>A (p.Arg188Gln)

Gene: PORCN (porcupine O-acyltransferase; plus strand). Cytogenetic location: Xp11.23.
Variant type: single nucleotide variant.
Coding change: c.563G>A on transcript NM_203475.3 (MANE Select); coding-DNA position 563, G replaced by A.
Protein change: p.Arg188Gln; replaces arginine 188 with glutamine.
Molecular consequence: missense variant.
Genome position (GRCh38, 1-based): chrX:48,512,596, G>A. VCF-style: chrX-48512596-G-A. GRCh37 (hg19) VCF-style: chrX-48370984-G-A.
Other names: c.350G>A, p.Arg117Gln (NM_001282167.2); c.563G>A, p.Arg188Gln (NM_022825.4, NM_203473.3, NM_203474.1); short protein forms R117Q, R188Q.
Identifiers: ClinVar variation 3615558 (VCV003615558.2).